The following is an entry in ClinVar:

ClinVar aggregate classification (germline): Uncertain significance (1 of 4 stars; one submission).

Allele frequency attached by ClinVar (database versions not stated): gnomAD exomes below 0.00001; gnomAD 0.00001; TOPMed 0.00001.
gnomAD v4.1: 8 of 1,614,094 alleles (0.0005%); highest among the groups gnomAD compares: East Asian, 0.0067%; no homozygotes.

Submission:

Labcorp Genetics (formerly Invitae), Labcorp
Classification: Uncertain significance. Last evaluated: 2025-04-19. Review status: criteria provided, single submitter. Criteria: Invitae Variant Classification Sherloc (09022015). Collection method: clinical testing. Allele origin: germline.
Comment: This sequence change affects codon 1832 of the CACNA1D mRNA. It is a 'silent' change, meaning that it does not change the encoded amino acid sequence of the CACNA1D protein. It affects a nucleotide within the consensus splice site. This variant is not present in population databases (gnomAD no frequency). This variant has not been reported in the literature in individuals affected with CACNA1D-related conditions. ClinVar contains an entry for this variant (Variation ID: 1467149). Algorithms developed to predict the effect of sequence changes on RNA splicing suggest that this variant is not likely to affect RNA splicing. In summary, the available evidence is currently insufficient to determine the role of this variant in disease. Therefore, it has been classified as a Variant of Uncertain Significance.

NM_001128840.3(CACNA1D):c.5436G>A (p.Arg1812=)

Gene: CACNA1D (calcium voltage-gated channel subunit alpha1 D; plus strand). Cytogenetic location: 3p21.1.
Variant type: single nucleotide variant.
Coding change: c.5436G>A on transcript NM_001128840.3 (MANE Select); coding-DNA position 5436, G replaced by A.
Protein change: p.Arg1812=; no amino-acid change (arginine 1812 retained).
Molecular consequence: synonymous variant.
Genome position (GRCh38, 1-based): chr3:53,803,423, G>A. VCF-style: chr3-53803423-G-A. GRCh37 (hg19) VCF-style: chr3-53837450-G-A.
Other names: c.5496G>A, p.Arg1832= (NM_000720.4); c.5364G>A, p.Arg1788= (NM_001128839.3).
Identifiers: ClinVar variation 1467149 (VCV001467149.6), dbSNP rs1303050391, ClinGen allele CA433804182.
Genomic context (GRCh38, chr3:53,803,423, plus strand): 5'-GCTGCAGCAGGAATTATCTGCCGCCTGCCCAGGTTCTCAGATCCTCTCTCCCAACTGCAG[G>A]TCCGACTCAGGAGATGAACAGCTCCCAACTATTTGCCGGGAAGACCCAGAGATACATGGC-3'
Protein context (NP_001122312.1, residues 1802-1822): KRTRYYETYI[Arg1812=]SDSGDEQLPT